The following is an entry in ClinVar:

NM_001355436.2(SPTB):c.4735C>T (p.Arg1579Ter)

Gene: SPTB (spectrin beta, erythrocytic; minus strand). Cytogenetic location: 14q23.3.
Variant type: single nucleotide variant.
Coding change: c.4735C>T on transcript NM_001355436.2 (MANE Select); coding-DNA position 4735, C replaced by T.
Protein change: p.Arg1579Ter; replaces arginine 1579 with a stop codon.
Molecular consequence: nonsense.
Genome position (GRCh38, 1-based): chr14:64,775,232, G>A on the plus strand (C>T on the coding strand, the complement: SPTB is on the minus strand). VCF-style: chr14-64775232-G-A. GRCh37 (hg19) VCF-style: chr14-65241950-G-A.
Other names: c.4735C>T, p.Arg1579Ter (NM_001024858.4, NM_001355437.2); short protein forms R1579*.
Identifiers: ClinVar variation 994256 (VCV000994256.22), dbSNP rs760938057, ClinGen allele CA390043618.
Genomic context (GRCh38, chr14:64,775,232, plus strand): 5'-AGGCCTCAGCCTCGTCTGCATCCAGGTAGTACTGCTGTGCCTCGTTGGCGTCCCTCAGTC[G>A]CTGCAGCCTCCCGGCCGCTGCCTCCCGCAGCCTGTCCCAGGAGCTCTGCAGGTGCCCCAG-3'

ClinVar aggregate classification (germline): Pathogenic/Likely pathogenic. Review status: criteria provided, multiple submitters, no conflicts (2 of 4 stars). 7 submissions from 7 submitters: Pathogenic (6); Likely pathogenic (1). Last evaluated 2026-07-01.

Conditions:
Hereditary spherocytosis type 2. Also called: SPHEROCYTOSIS, TYPE 2, AUTOSOMAL DOMINANT. Identifiers: Orphanet 822, MedGen C2674219, MONDO:0000913, OMIM 616649.

Allele frequency attached by ClinVar (database versions not stated): TOPMed below 0.00001.

Submissions (7):

CeGaT Center for Human Genetics Tuebingen
Classification: Pathogenic. Last evaluated: 2026-07-01. Review status: criteria provided, single submitter. Criteria: CeGaT Center For Human Genetics Tuebingen Variant Classification Criteria Version 2. Collection method: clinical testing. Allele origin: germline. Affected: yes. Observed: 1 variant allele.
Comment: SPTB: PVS1, PM2

Labcorp Genetics (formerly Invitae), Labcorp
Classification: Pathogenic. Last evaluated: 2026-01-22. Review status: criteria provided, single submitter. Criteria: Invitae Variant Classification Sherloc (09022015). Collection method: clinical testing. Allele origin: germline.
Comment: This sequence change creates a premature translational stop signal (p.Arg1579*) in the SPTB gene. It is expected to result in an absent or disrupted protein product. Loss-of-function variants in SPTB are known to be pathogenic (PMID: 1391962, 1498324, 8844207, 26830532, 27292444). This variant is not present in population databases (gnomAD no frequency). This premature translational stop signal has been observed in individual(s) with spherocytosis (PMID: 29572776). ClinVar contains an entry for this variant (Variation ID: 994256). For these reasons, this variant has been classified as Pathogenic.

Revvity Omics, Revvity
Classification: Pathogenic. Last evaluated: 2024-02-02. Review status: criteria provided, single submitter. Criteria: ACMG Guidelines, 2015. Collection method: clinical testing. Allele origin: germline.

Mayo Clinic Laboratories, Mayo Clinic
Classification: Likely pathogenic. Last evaluated: 2023-09-06. Review status: criteria provided, single submitter. Criteria: ACMG Guidelines, 2015. Collection method: clinical testing. Allele origin: germline.

Neuberg Centre For Genomic Medicine, NCGM
Classification: Pathogenic for Hereditary spherocytosis type 2. Last evaluated: 2023-06-22. Review status: criteria provided, single submitter. Criteria: ACMG Guidelines, 2015. Collection method: clinical testing. Allele origin: germline. Inheritance: Autosomal dominant inheritance. Affected: yes.
Comment: The stop gained variant c.4735C>T(p.Arg1579Ter) in SPTB gene has been reported in heterozygous state in multiple patients affected with Spherocytosis, type 2 (Aggarwal, et. al., 2020; Wang et. al., 2018). The observed variant is absent in gnomAD exomes database. This variant has been submitted to the ClinVar database as Likely Pathogenic / Pathogenic. The reference nucleotide change c.4735C>T in SPTB is predicted as conserved by GERP++ and PhyloP across 100 vertebrates. This variant is predicted to cause loss of normal protein function through protein truncation. Loss of function variants have been previously reported to be disease causing. For these reasons, this variant has been classified as Pathogenic.

ARUP Laboratories, Molecular Genetics and Genomics, ARUP Laboratories
Classification: Pathogenic. Last evaluated: 2020-02-14. Review status: criteria provided, single submitter. Criteria: ARUP Molecular Germline Variant Investigation Process. Collection method: clinical testing. Allele origin: germline.

Juno Genomics, Hangzhou Juno Genomics, Inc
Classification: Pathogenic for Hereditary spherocytosis type 2. Review status: criteria provided, single submitter. Criteria: ACMG Guidelines, 2015. Collection method: clinical testing. Allele origin: germline. Affected: yes.
Comment: Absent from controls (or at extremely low frequency if recessive) in Genome Aggregation Database, Exome Sequencing Project, 1000 Genomes Project, or Exome Aggregation Consortium.;Null variant in a gene where loss of function (LOF) is a known mechanism of disease.;The prevalence of the variant in affected individuals is significantly increased compared to the prevalence in controls.;Assumed de novo, but without confirmation of paternity and maternity.;Patient's phenotype or family history is highly specific for a disease with a single genetic etiology.

Literature cited by the submitters: PubMed 1391962 (cited by Labcorp Genetics (formerly Invitae), Labcorp); PubMed 1498324 (cited by Labcorp Genetics (formerly Invitae), Labcorp); PubMed 8844207 (cited by Labcorp Genetics (formerly Invitae), Labcorp); PubMed 26830532 (cited by Labcorp Genetics (formerly Invitae), Labcorp); PubMed 27292444 (cited by Labcorp Genetics (formerly Invitae), Labcorp); PubMed 29572776 (cited by Labcorp Genetics (formerly Invitae), Labcorp and Mayo Clinic Laboratories, Mayo Clinic); PubMed 31602632 (cited by Mayo Clinic Laboratories, Mayo Clinic); PubMed 36071563 (cited by Mayo Clinic Laboratories, Mayo Clinic).